The following is an entry in ClinVar:

ClinVar aggregate classification (germline): Uncertain significance (1 of 4 stars; one submission).

gnomAD v4.1: 2 of 1,550,380 alleles (0.00013%); highest among the groups gnomAD compares: Non-Finnish European, 0.000087%; no homozygotes.

Submission:

Labcorp Genetics (formerly Invitae), Labcorp
Classification: Uncertain significance. Last evaluated: 2022-07-19. Review status: criteria provided, single submitter. Criteria: Invitae Variant Classification Sherloc (09022015). Collection method: clinical testing. Allele origin: germline.
Comment: This sequence change replaces glutamine, which is neutral and polar, with lysine, which is basic and polar, at codon 1325 of the EYS protein (p.Gln1325Lys). This variant is not present in population databases (gnomAD no frequency). This variant has not been reported in the literature in individuals affected with EYS-related conditions. ClinVar contains an entry for this variant (Variation ID: 1026174). Algorithms developed to predict the effect of missense changes on protein structure and function output the following: SIFT: "Tolerated"; PolyPhen-2: "Benign"; Align-GVGD: "Class C0". The lysine amino acid residue is found in multiple mammalian species, which suggests that this missense change does not adversely affect protein function. In summary, the available evidence is currently insufficient to determine the role of this variant in disease. Therefore, it has been classified as a Variant of Uncertain Significance.

NM_001142800.2(EYS):c.3973C>A (p.Gln1325Lys)

Gene: EYS (eyes shut homolog; minus strand). Cytogenetic location: 6q12.
Variant type: single nucleotide variant.
Coding change: c.3973C>A on transcript NM_001142800.2 (MANE Select); coding-DNA position 3973, C replaced by A.
Protein change: p.Gln1325Lys; replaces glutamine 1325 with lysine.
Molecular consequence: missense variant.
Genome position (GRCh38, 1-based): chr6:64,591,894, G>T on the plus strand (C>A on the coding strand, the complement: EYS is on the minus strand). VCF-style: chr6-64591894-G-T. GRCh37 (hg19) VCF-style: chr6-65301787-G-T.
Other names: c.3973C>A, p.Gln1325Lys (NM_001292009.2); short protein forms Q1325K.
Identifiers: ClinVar variation 1026174 (VCV001026174.6), dbSNP rs12663622, ClinGen allele CA364784313.